The following is an entry in ClinVar:

NM_000059.4(BRCA2):c.8982dup (p.Asp2995fs)

Gene: BRCA2 (BRCA2 DNA repair associated; plus strand). Cytogenetic location: 13q13.1.
Variant type: Duplication.
Coding change: c.8982dup on transcript NM_000059.4 (MANE Select); coding-DNA position 8982, one base duplicated (A; older notation c.8982dupA).
Protein change: p.Asp2995fs; shifts the reading frame from aspartic acid 2995.
Molecular consequence: frameshift variant.
Genome position (GRCh38, 1-based): chr13:32,379,778, A duplicated. VCF-style (leftmost placement, unchanged base first): chr13-32379777-C-CA. GRCh37 (hg19) VCF-style: chr13-32953914-C-CA.
Other names: short protein forms D2995fs.
Identifiers: ClinVar variation 934858 (VCV000934858.8), dbSNP rs2072908049, ClinGen allele CA1139663196.
Genomic context (GRCh38, chr13:32,379,777, plus strand): 5'-TCCATTGCATCTTTCTCATCTTTCTCCAAACAGTTATACTGAGTATTTGGCGTCCATCAT[C>CA]AGATTTATATTCTCTGTTAACAGAAGGAAAGAGATACAGAATTTATCATCTTGCAACTTC-3'

ClinVar aggregate classification (germline): Pathogenic (1 of 4 stars; one submission).

Conditions:
Hereditary breast ovarian cancer syndrome. Also called: Hereditary breast and ovarian cancer syndrome; Hereditary breast and ovarian cancer syndrome (HBOC); Hereditary breast and/or ovarian cancer syndrome; Hereditary breast and ovarian cancer; BRCA1- and BRCA2-Associated Hereditary Breast and Ovarian Cancer; Breast and ovarian cancer. Identifiers: Orphanet 145, MedGen C0677776, MeSH D061325, MONDO:0003582. Disease mechanism: loss of function.

Submission:

Labcorp Genetics (formerly Invitae), Labcorp
Classification: Pathogenic for Hereditary breast ovarian cancer syndrome. Last evaluated: 2019-08-13. Review status: criteria provided, single submitter. Criteria: Invitae Variant Classification Sherloc (09022015). Collection method: clinical testing. Allele origin: germline.
Comment: For these reasons, this variant has been classified as Pathogenic. Loss-of-function variants in BRCA2 are known to be pathogenic (PMID: 20104584). This variant has not been reported in the literature in individuals with BRCA2-related conditions. This variant is not present in population databases (ExAC no frequency). This sequence change creates a premature translational stop signal (p.Asp2995Argfs*23) in the BRCA2 gene. It is expected to result in an absent or disrupted protein product.

Literature cited by the submitters: PubMed 20104584.